The following is an entry in ClinVar:

ClinVar aggregate classification (germline): Uncertain significance. Review status: criteria provided, multiple submitters, no conflicts (2 of 4 stars). 2 submissions from 2 submitters: Uncertain significance (2). Last evaluated 2024-06-10.

Conditions:
Liddle syndrome 3. Identifiers: MedGen C4748292, MONDO:0029132, OMIM 618126.
Pseudohypoaldosteronism, type IB1, autosomal recessive. Also called: Pseudohypoaldosteronism, Type I, Autosomal Recessive; Pseudohypoaldosteronism, Type I, Recessive; Autosomal recessive pseudohypoaldosteronism type 1; PHA I, AUTOSOMAL RECESSIVE. Identifiers: Orphanet 171876, Orphanet 756, MedGen C5774176, MONDO:0009917, OMIM 264350.
Bronchiectasis with or without elevated sweat chloride 2 (BESC2). Identifiers: Orphanet 60033, MedGen C2751666, MONDO:0013087, OMIM 613021.

Allele frequency attached by ClinVar (database versions not stated): ExAC 0.00001; gnomAD exomes 0.00001 and 0.00003; gnomAD 0.00002; TOPMed 0.00002.
gnomAD v4.1: 51 of 1,607,288 alleles (0.0032%); highest among the groups gnomAD compares: Non-Finnish European, 0.0042%; no homozygotes.

Submissions (2):

Fulgent Genetics
Classification: Uncertain significance for Pseudohypoaldosteronism, type IB1, autosomal recessive; Bronchiectasis with or without elevated sweat chloride 2; Liddle syndrome 3. Last evaluated: 2024-06-10. Review status: criteria provided, single submitter. Criteria: ACMG Guidelines, 2015. Collection method: clinical testing. Allele origin: germline.

Johns Hopkins Genomics, Johns Hopkins University
Classification: Uncertain significance for Bronchiectasis with or without elevated sweat chloride 2. Last evaluated: 2021-03-29. Review status: criteria provided, single submitter. Criteria: ACMG Guidelines, 2015. Collection method: clinical testing. Allele origin: germline.
Comment: SCNN1A c.457A>T (rs775335440) is rare (<0.1%) in a large population dataset (gnomAD: 2/244324 total alleles; 00082%; no homozygotes) and has not been reported in ClinVar nor the literature, to our knowledge. Of three bioinformatics tools queried, one predicts that the substitution would be possibly damaging, while two predict that it would be tolerated. The isoleucine residue at this position is evolutionarily conserved across most species assessed. We consider the clinical significance of c.457A>T to be uncertain at this time.

NM_001038.6(SCNN1A):c.457A>T (p.Ile153Phe)

Gene: SCNN1A (sodium channel epithelial 1 subunit alpha; minus strand). Cytogenetic location: 12p13.31.
Variant type: single nucleotide variant.
Coding change: c.457A>T on transcript NM_001038.6 (MANE Select); coding-DNA position 457, A replaced by T.
Protein change: p.Ile153Phe; replaces isoleucine 153 with phenylalanine.
Molecular consequence: missense variant.
Genome position (GRCh38, 1-based): chr12:6,363,670, T>A on the plus strand (A>T on the coding strand, the complement: SCNN1A is on the minus strand). VCF-style: chr12-6363670-T-A. GRCh37 (hg19) VCF-style: chr12-6472836-T-A.
Other names: c.526A>T, p.Ile176Phe (NM_001159575.2); c.634A>T, p.Ile212Phe (NM_001159576.2); short protein forms I153F, I176F, I212F.
Identifiers: ClinVar variation 1048766 (VCV001048766.3), dbSNP rs775335440, ClinGen allele CA6406209.